The following is an entry in ClinVar:

NM_032043.3(BRIP1):c.2768T>C (p.Leu923Pro)

Gene: BRIP1 (BRCA1 interacting DNA helicase 1; minus strand). Cytogenetic location: 17q23.2.
Variant type: single nucleotide variant.
Coding change: c.2768T>C on transcript NM_032043.3 (MANE Select); coding-DNA position 2768, T replaced by C.
Protein change: p.Leu923Pro; replaces leucine 923 with proline.
Molecular consequence: missense variant.
Genome position (GRCh38, 1-based): chr17:61,685,973, A>G on the plus strand (T>C on the coding strand, the complement: BRIP1 is on the minus strand). VCF-style: chr17-61685973-A-G. GRCh37 (hg19) VCF-style: chr17-59763334-A-G.
Other names: c.2768T>C (NM_032043.2); short protein forms L923P.
Identifiers: ClinVar variation 1351023 (VCV001351023.10), dbSNP rs2144112007, ClinGen allele CA400481572.

ClinVar aggregate classification (germline): Uncertain significance. Review status: criteria provided, multiple submitters, no conflicts (2 of 4 stars). 2 submissions from 2 submitters: Uncertain significance (2). Last evaluated 2026-04-12.

Conditions:
Hereditary cancer-predisposing syndrome. Also called: Neoplastic Syndromes, Hereditary; Tumor predisposition; Hereditary Cancer Syndrome; Hereditary neoplastic syndrome. Identifiers: Orphanet 140162, MedGen C0027672, MeSH D009386, MONDO:0015356.
Fanconi anemia complementation group J. Also called: BRIP1-Related Fanconi Anemia. Identifiers: Orphanet 84, MedGen C1836860, MONDO:0012187, OMIM 609054.
Familial cancer of breast. Also called: hereditary breast carcinoma; BREAST CANCER, FAMILIAL; Hereditary breast cancer. Identifiers: Orphanet 227535, MedGen C0346153, MONDO:0016419, OMIM 114480. Disease mechanism: loss of function.

Submissions (2):

Ambry Genetics
Classification: Uncertain significance for Hereditary cancer-predisposing syndrome. Last evaluated: 2026-04-12. Review status: criteria provided, single submitter. Criteria: Ambry Variant Classification Scheme 2023. Collection method: clinical testing. Allele origin: germline.
Comment: The p.L923P variant (also known as c.2768T>C), located in coding exon 18 of the BRIP1 gene, results from a T to C substitution at nucleotide position 2768. The leucine at codon 923 is replaced by proline, an amino acid with similar properties. This amino acid position is conserved. In addition, this alteration is predicted to be tolerated by in silico analysis. Based on the available evidence, the clinical significance of this variant remains unclear.

Labcorp Genetics (formerly Invitae), Labcorp
Classification: Uncertain significance for Familial cancer of breast; Fanconi anemia complementation group J. Last evaluated: 2021-03-17. Review status: criteria provided, single submitter. Criteria: Invitae Variant Classification Sherloc (09022015). Collection method: clinical testing. Allele origin: germline.
Comment: In summary, the available evidence is currently insufficient to determine the role of this variant in disease. Therefore, it has been classified as a Variant of Uncertain Significance. Algorithms developed to predict the effect of missense changes on protein structure and function are either unavailable or do not agree on the potential impact of this missense change (SIFT: "Tolerated"; PolyPhen-2: "Possibly Damaging"; Align-GVGD: "Class C0"). This variant has not been reported in the literature in individuals with BRIP1-related conditions. This variant is not present in population databases (ExAC no frequency). This sequence change replaces leucine with proline at codon 923 of the BRIP1 protein (p.Leu923Pro). The leucine residue is weakly conserved and there is a moderate physicochemical difference between leucine and proline.